The following is an entry in ClinVar:

NM_001287491.2(TET3):c.2321A>G (p.His774Arg)

Gene: TET3 (tet methylcytosine dioxygenase 3; plus strand). Cytogenetic location: 2p13.1.
Variant type: single nucleotide variant.
Coding change: c.2321A>G on transcript NM_001287491.2 (MANE Select); coding-DNA position 2321, A replaced by G.
Protein change: p.His774Arg; replaces histidine 774 with arginine.
Molecular consequence: missense variant.
Genome position (GRCh38, 1-based): chr2:74,048,238, A>G. VCF-style: chr2-74048238-A-G. GRCh37 (hg19) VCF-style: chr2-74275365-A-G.
Other names: c.2042A>G, p.His681Arg (NM_001366022.1); short protein forms H681R, H774R.
Identifiers: ClinVar variation 3375909 (VCV003375909.2).
Genomic context (GRCh38, chr2:74,048,238, plus strand): 5'-CCAAGCAAATCAAGATTGAGTCTTCGGGGGCTGTGACTGTGCTCTCAACCACCTGCTTCC[A>G]TTCAGAGGAGGGAGGACAGGAGGCCACACCCACCAAGGCTGAGAACCCACTCACACCCAC-3'
Protein context (NP_001274420.1, residues 764-784): AVTVLSTTCF[His774Arg]SEEGGQEATP

ClinVar aggregate classification (germline): Uncertain significance (1 of 4 stars; one submission).

Submission:

GeneDx
Classification: Uncertain significance. Last evaluated: 2025-04-28. Review status: criteria provided, single submitter. Criteria: GeneDx Variant Classification Process June 2021. Collection method: clinical testing. Allele origin: germline.
Comment: Not observed at significant frequency in large population cohorts (gnomAD); In silico analysis indicates that this missense variant does not alter protein structure/function; Has not been previously published as pathogenic or benign to our knowledge